The following is an entry in ClinVar:

ClinVar aggregate classification (germline): Uncertain significance (0 of 4 stars; one submission).

Conditions:
HIRA-related disorder.

Submission:

PreventionGenetics, part of Exact Sciences
Classification: Uncertain significance for HIRA-related condition. Last evaluated: 2024-03-08. Review status: no assertion criteria provided. Collection method: clinical testing. Allele origin: germline.
Comment: The HIRA c.2396+2T>G variant is predicted to disrupt the GT donor site and interfere with normal splicing. To our knowledge, this variant has not been reported in the literature or in a large population database, indicating this variant is rare. Although we suspect that this variant may be pathogenic, at this time, the clinical significance of this variant is uncertain due to the absence of conclusive functional and genetic evidence.

NM_003325.4(HIRA):c.2396+2T>G

Gene: HIRA (histone cell cycle regulator; minus strand). Cytogenetic location: 22q11.21.
Variant type: single nucleotide variant.
Coding change: c.2396+2T>G on transcript NM_003325.4 (MANE Select); the canonical splice donor site of the intron after coding-DNA position 2396, T replaced by G.
Molecular consequence: splice donor variant.
Genome position (GRCh38, 1-based): chr22:19,356,888, A>C on the plus strand (T>G on the coding strand, the complement: HIRA is on the minus strand). VCF-style: chr22-19356888-A-C. GRCh37 (hg19) VCF-style: chr22-19344411-A-C.
Identifiers: ClinVar variation 3349136 (VCV003349136.1).